The following is an entry in ClinVar:

NM_000548.5(TSC2):c.3557A>C (p.Tyr1186Ser)

Gene: TSC2 (TSC complex subunit 2; plus strand). Cytogenetic location: 16p13.3.
Variant type: single nucleotide variant.
Coding change: c.3557A>C on transcript NM_000548.5 (MANE Select); coding-DNA position 3557, A replaced by C.
Protein change: p.Tyr1186Ser; replaces tyrosine 1186 with serine.
Molecular consequence: missense variant.
Genome position (GRCh38, 1-based): chr16:2,080,324, A>C. VCF-style: chr16-2080324-A-C. GRCh37 (hg19) VCF-style: chr16-2130325-A-C.
Other names: c.3425A>C, p.Tyr1142Ser (NM_001077183.3, NM_001370404.1); c.3557A>C, p.Tyr1186Ser (NM_001114382.3); c.3317A>C, p.Tyr1106Ser (NM_001318827.2); c.3281A>C, p.Tyr1094Ser (NM_001318829.2); c.2825A>C, p.Tyr942Ser (NM_001318831.2); c.3458A>C, p.Tyr1153Ser (NM_001318832.2); c.3428A>C, p.Tyr1143Ser (NM_001363528.2, NM_001370405.1, NM_021055.3); short protein forms Y1106S, Y1143S, Y1094S, Y1142S, Y1186S, Y942S, Y1153S.
Identifiers: ClinVar variation 1381607 (VCV001381607.13), dbSNP rs137854421, ClinGen allele CA394289537.

ClinVar aggregate classification (germline): Uncertain significance. Review status: criteria provided, multiple submitters, no conflicts (2 of 4 stars). 5 submissions from 5 submitters: Uncertain significance (5). Last evaluated 2024-12-12.

Conditions:
Tuberous sclerosis syndrome (TSC). Also called: Tuberous Sclerosis Complex; Tuberous sclerosis. Identifiers: Orphanet 805, MedGen C0041341, MONDO:0001734.
Tuberous sclerosis 2 (TSC2). Identifiers: Orphanet 805, MedGen C1860707, MONDO:0013199, OMIM 613254.
Hereditary cancer-predisposing syndrome. Also called: Neoplastic Syndromes, Hereditary; Hereditary Cancer Syndrome; Tumor predisposition; Hereditary neoplastic syndrome. Identifiers: Orphanet 140162, MedGen C0027672, MeSH D009386, MONDO:0015356.
Isolated focal cortical dysplasia type II (FCORD2). Also called: Focal cortical dysplasia type II; CORTICAL DYSPLASIA OF TAYLOR. Identifiers: Orphanet 268994, MedGen C1846385, MONDO:0011818, OMIM 607341, HP:0032051.

gnomAD v4.1: 1 of 1,612,714 alleles (0.000062%); highest among the groups gnomAD compares: South Asian, 0.0011%; no homozygotes.

Submissions (5):

Ambry Genetics
Classification: Uncertain significance for Hereditary cancer-predisposing syndrome. Last evaluated: 2024-12-12. Review status: criteria provided, single submitter. Criteria: Ambry Variant Classification Scheme 2023. Collection method: clinical testing. Allele origin: germline.
Comment: The p.Y1186S variant (also known as c.3557A>C), located in coding exon 29 of the TSC2 gene, results from an A to C substitution at nucleotide position 3557. The tyrosine at codon 1186 is replaced by serine, an amino acid with dissimilar properties. This amino acid position is poorly conserved in available vertebrate species. In addition, the in silico prediction for this alteration is inconclusive. Based on the available evidence, the clinical significance of this variant remains unclear.

GeneDx
Classification: Uncertain significance. Last evaluated: 2024-06-24. Review status: criteria provided, single submitter. Criteria: GeneDx Variant Classification Process June 2021. Collection method: clinical testing. Allele origin: germline.
Comment: Not observed at significant frequency in large population cohorts (gnomAD); In silico analysis supports that this missense variant has a deleterious effect on protein structure/function; Has not been previously published as pathogenic or benign to our knowledge

Labcorp Genetics (formerly Invitae), Labcorp
Classification: Uncertain significance for Tuberous sclerosis 2. Last evaluated: 2023-09-21. Review status: criteria provided, single submitter. Criteria: Invitae Variant Classification Sherloc (09022015). Collection method: clinical testing. Allele origin: germline.
Comment: In summary, the available evidence is currently insufficient to determine the role of this variant in disease. Therefore, it has been classified as a Variant of Uncertain Significance. Advanced modeling of protein sequence and biophysical properties (such as structural, functional, and spatial information, amino acid conservation, physicochemical variation, residue mobility, and thermodynamic stability) performed at Invitae indicates that this missense variant is not expected to disrupt TSC2 protein function. ClinVar contains an entry for this variant (Variation ID: 1381607). This variant has not been reported in the literature in individuals affected with TSC2-related conditions. This variant is not present in population databases (gnomAD no frequency). This sequence change replaces tyrosine, which is neutral and polar, with serine, which is neutral and polar, at codon 1186 of the TSC2 protein (p.Tyr1186Ser).

All of Us Research Program, National Institutes of Health
Classification: Uncertain significance for Tuberous sclerosis syndrome. Last evaluated: 2023-06-26. Review status: criteria provided, single submitter. Criteria: ACMG Guidelines, 2015. Collection method: clinical testing. Allele origin: germline. Inheritance: Autosomal dominant inheritance. Observed: 2 variant alleles, 2 heterozygotes.
Comment: This missense variant replaces tyrosine with serine at codon 1186 of the TSC2 protein. Computational prediction is inconclusive regarding the impact of this variant on protein structure and function (internally defined REVEL score threshold 0.5 < inconclusive < 0.7, PMID: 27666373). To our knowledge, functional studies have not been reported for this variant. This variant has not been reported in individuals affected with tuberous sclerosis complex in the literature. This variant has not been identified in the general population by the Genome Aggregation Database (gnomAD). The available evidence is insufficient to determine the role of this variant in disease conclusively. Therefore, this variant is classified as a Variant of Uncertain Significance.

This study involves interpretation of variants in research participants for the purpose of population health screening. Participant phenotype was not available at the time of variant classification. Additional details can be found in publication PMID: 35346344, PMCID: PMC8962531

Baylor Genetics
Classification: Uncertain significance for Isolated focal cortical dysplasia type II. Last evaluated: 2023-05-26. Review status: criteria provided, single submitter. Criteria: ACMG Guidelines, 2015. Collection method: clinical testing. Allele origin: unknown.